The following is an entry in ClinVar:

ClinVar aggregate classification (germline): Uncertain significance (1 of 4 stars; one submission).

Conditions:
Hypertrophic cardiomyopathy. Also called: HYPERTROPHIC MYOCARDIOPATHY. Identifiers: Orphanet 217569, MedGen C0007194, MeSH D002312, MONDO:0005045, HP:0001639.

gnomAD v4.1: 3 of 1,613,848 alleles (0.00019%); highest among the groups gnomAD compares: East Asian, 0.0022%; no homozygotes.

Submission:

Molecular Genetics, Royal Melbourne Hospital
Classification: Uncertain significance for Hypertrophic cardiomyopathy. Last evaluated: 2024-05-02. Review status: criteria provided, single submitter. Criteria: ACMG Guidelines, 2015. Collection method: clinical testing. Allele origin: germline. Inheritance: Autosomal dominant inheritance. Affected: yes.
Comment: This sequence change in FHOD3 is predicted to replace arginine with lysine at codon 644, p.(Arg644Lys). The arginine residue is highly conserved (100 vertebrates, Multiz Alignments), and is located in GBD/FH3 domain. There is a small physicochemical difference between arginine and lysine. The highest population minor allele frequency in the population database gnomAD v4.1 is 0.0002% (2/1,111,844 alleles) in the European (non-Finnish) population, which is consistent with hypertrophic cardiomyopathy (HCM). To our knowledge, this variant has not been previously reported in the relevant scientific literature or databases. Computational evidence predicts a benign effect for the missense substitution (REVEL = 0.24). Another missense variant (c.1932G>T p.Arg644Ser) in the same codon has been reported in individuals with HCM (PMID: 30442288). Based on the classification scheme RMH Modified ACMG/AMP Guidelines v1.6.1, this variant is classified as a VARIANT OF UNCERTAIN SIGNIFICANCE. Following criteria are met: BP4, PM2_Supporting.

Literature cited by the submitters: PubMed 30442288.

NM_001281740.3(FHOD3):c.1931G>A (p.Arg644Lys)

Gene: FHOD3 (formin homology 2 domain containing 3; plus strand). Cytogenetic location: 18q12.2.
Variant type: single nucleotide variant.
Coding change: c.1931G>A on transcript NM_001281740.3 (MANE Select); coding-DNA position 1931, G replaced by A.
Protein change: p.Arg644Lys; replaces arginine 644 with lysine.
Molecular consequence: missense variant.
Genome position (GRCh38, 1-based): chr18:36,681,531, G>A. VCF-style: chr18-36681531-G-A. GRCh37 (hg19) VCF-style: chr18-34261494-G-A.
Other names: c.1406G>A, p.Arg469Lys (NM_001281739.3, NM_025135.5); short protein forms R469K, R644K.
Identifiers: ClinVar variation 3773786 (VCV003773786.1).